The following is an entry in ClinVar:

NM_080680.3(COL11A2):c.2269-3C>A

Gene: COL11A2 (collagen type XI alpha 2 chain; minus strand). Cytogenetic location: 6p21.32.
Variant type: single nucleotide variant.
Coding change: c.2269-3C>A on transcript NM_080680.3 (MANE Select); 3 bases into the intron before coding-DNA position 2269, C replaced by A.
Molecular consequence: intron variant.
Genome position (GRCh38, 1-based): chr6:33,175,684, G>T on the plus strand (C>A on the coding strand, the complement: COL11A2 is on the minus strand). VCF-style: chr6-33175684-G-T. GRCh37 (hg19) VCF-style: chr6-33143461-G-T.
Other names: c.1948-3C>A (NM_080679.3); c.2011-3C>A (NM_080681.3).
Identifiers: ClinVar variation 1505854 (VCV001505854.6), dbSNP rs2150565971, ClinGen allele CA2573140226.

ClinVar aggregate classification (germline): Uncertain significance (1 of 4 stars; one submission).

Submission:

Labcorp Genetics (formerly Invitae), Labcorp
Classification: Uncertain significance. Last evaluated: 2023-07-17. Review status: criteria provided, single submitter. Criteria: Invitae Variant Classification Sherloc (09022015). Collection method: clinical testing. Allele origin: germline.
Comment: This sequence change falls in intron 29 of the COL11A2 gene. It does not directly change the encoded amino acid sequence of the COL11A2 protein. It affects a nucleotide within the consensus splice site. This variant is not present in population databases (gnomAD no frequency). This variant has not been reported in the literature in individuals affected with COL11A2-related conditions. ClinVar contains an entry for this variant (Variation ID: 1505854). Variants that disrupt the consensus splice site are a relatively common cause of aberrant splicing (PMID: 17576681, 9536098). Algorithms developed to predict the effect of sequence changes on RNA splicing suggest that this variant is not likely to affect RNA splicing. In summary, the available evidence is currently insufficient to determine the role of this variant in disease. Therefore, it has been classified as a Variant of Uncertain Significance.

Literature cited by the submitters: PubMed 17576681; PubMed 9536098.